The following is an entry in ClinVar:

NM_001368894.2(PAX6):c.23T>C (p.Val8Ala)

Gene: PAX6 (paired box 6; minus strand). Cytogenetic location: 11p13.
Variant type: single nucleotide variant.
Coding change: c.23T>C on transcript NM_001368894.2 (MANE Select); coding-DNA position 23, T replaced by C.
Protein change: p.Val8Ala; replaces valine 8 with alanine.
Molecular consequence: missense variant. On other transcripts: 5 prime UTR variant (12), non-coding transcript variant (2), intron variant (2).
Genome position (GRCh38, 1-based): chr11:31,802,822, A>G on the plus strand (T>C on the coding strand, the complement: PAX6 is on the minus strand). VCF-style: chr11-31802822-A-G. GRCh37 (hg19) VCF-style: chr11-31824370-A-G.
Other names: c.23T>C, p.Val8Ala (NM_000280.6, NM_001127612.3, NM_001258462.3 and 30 more transcripts); c.-759T>C (NM_001310160.2, NM_001368905.2); c.-428T>C (NM_001310161.3, NM_001368900.2, NM_001368903.2 and 2 more transcripts); c.-386T>C (NM_001368899.2, NM_001368901.2, NM_001368906.2 and 1 more transcripts); c.-717T>C (NM_001368902.2); c.266T>C, p.Val89Ala (NM_001368910.2); c.26T>C, p.Val9Ala (NM_001368911.2); c.-267-1046T>C (NM_001368909.2, NM_001368904.2); short protein forms V89A, V8A, V9A.
Identifiers: ClinVar variation 4537977 (VCV004537977.1).
Genomic context (GRCh38, chr11:31,802,822, plus strand): 5'-TTCTGCCGGGTGGAGTCCGGCAGTGGCCGCCCGTTGACAAAGACACCACCGAGCTGATTC[A>G]CTCCGCTGTGACCTGAGGAAAGGGAGAGGAGAGGAAAGGGGAAAAGAAGAGAAGAGAGCA-3'
Protein context (NP_001355823.1, residues 1-18): MQNSHSG[Val8Ala]NQLGGVFVNG

ClinVar aggregate classification (germline): Uncertain significance (1 of 4 stars; one submission).

Submission:

GeneDx
Classification: Uncertain significance. Last evaluated: 2025-06-07. Review status: criteria provided, single submitter. Criteria: GeneDx Variant Classification Process June 2021. Collection method: clinical testing. Allele origin: germline. Affected: yes.
Comment: Not observed at significant frequency in large population cohorts (gnomAD); In silico analysis supports that this missense variant has a deleterious effect on protein structure/function; Has not been previously published as pathogenic or benign to our knowledge